The following is an entry in ClinVar:

ClinVar aggregate classification (germline): Uncertain significance (1 of 4 stars; one submission).

Conditions:
Chuvash polycythemia. Also called: POLYCYTHEMIA, VHL-DEPENDENT. Identifiers: Orphanet 238557, MedGen C1837915, MONDO:0009892, OMIM 263400.
Von Hippel-Lindau syndrome (VHLS). Also called: VHL syndrome; von Hippel–Lindau syndrome; Von Hippel-Lindau. Identifiers: Orphanet 892, MedGen C0019562, MONDO:0008667, OMIM 193300. Disease mechanism: loss of function.

Submission:

Labcorp Genetics (formerly Invitae), Labcorp
Classification: Uncertain significance for Von Hippel-Lindau syndrome; Chuvash polycythemia. Last evaluated: 2024-08-16. Review status: criteria provided, single submitter. Criteria: Invitae Variant Classification Sherloc (09022015). Collection method: clinical testing. Allele origin: germline.
Comment: This sequence change replaces glutamic acid, which is acidic and polar, with glutamine, which is neutral and polar, at codon 53 of the VHL protein (p.Glu53Gln). This variant is not present in population databases (gnomAD no frequency). This variant has not been reported in the literature in individuals affected with VHL-related conditions. Invitae Evidence Modeling of protein sequence and biophysical properties (such as structural, functional, and spatial information, amino acid conservation, physicochemical variation, residue mobility, and thermodynamic stability) indicates that this missense variant is not expected to disrupt VHL protein function with a negative predictive value of 95%. In summary, the available evidence is currently insufficient to determine the role of this variant in disease. Therefore, it has been classified as a Variant of Uncertain Significance.

NM_000551.4(VHL):c.157G>C (p.Glu53Gln)

Gene: VHL (von Hippel-Lindau tumor suppressor; plus strand). Cytogenetic location: 3p25.3.
Variant type: single nucleotide variant.
Coding change: c.157G>C on transcript NM_000551.4 (MANE Select); coding-DNA position 157, G replaced by C.
Protein change: p.Glu53Gln; replaces glutamic acid 53 with glutamine.
Molecular consequence: missense variant. On other transcripts: non-coding transcript variant (1).
Genome position (GRCh38, 1-based): chr3:10,142,004, G>C. VCF-style: chr3-10142004-G-C. GRCh37 (hg19) VCF-style: chr3-10183688-G-C.
Other names: c.157G>C, p.Glu53Gln (NM_001354723.2, NM_198156.3); short protein forms E53Q.
Identifiers: ClinVar variation 3753894 (VCV003753894.2).